The following is an entry in ClinVar:

ClinVar aggregate classification (germline): Pathogenic. Review status: criteria provided, multiple submitters, no conflicts (2 of 4 stars). 3 submissions from 3 submitters: Pathogenic (3). Last evaluated 2025-07-31.

Conditions:
Hereditary cancer-predisposing syndrome. Also called: Tumor predisposition; Hereditary Cancer Syndrome; Neoplastic Syndromes, Hereditary; Hereditary neoplastic syndrome. Identifiers: Orphanet 140162, MedGen C0027672, MeSH D009386, MONDO:0015356.
Ataxia-telangiectasia syndrome (AT). Also called: Cerebello-oculocutaneous telangiectasia; Immunodeficiency with ataxia telangiectasia; Ataxia-telangiectasia, complementation group D; AT, COMPLEMENTATION GROUP C; Ataxia-telangiectasia, complementation group E; LOUIS-BAR SYNDROME. Identifiers: Orphanet 100, MedGen C0004135, MONDO:0008840, OMIM 208900.

Submissions (3):

Ambry Genetics
Classification: Pathogenic for Hereditary cancer-predisposing syndrome. Last evaluated: 2025-07-31. Review status: criteria provided, single submitter. Criteria: Ambry Variant Classification Scheme 2023. Collection method: clinical testing. Allele origin: germline.
Comment: The p.E770* pathogenic mutation (also known as c.2308G>T), located in coding exon 14 of the ATM gene, results from a G to T substitution at nucleotide position 2308. This changes the amino acid from a glutamic acid to a stop codon within coding exon 14. This variant is considered to be rare based on population cohorts in the Genome Aggregation Database (gnomAD). This alteration is expected to result in loss of function by premature protein truncation or nonsense-mediated mRNA decay. As such, this alteration is interpreted as a disease-causing mutation.

Labcorp Genetics (formerly Invitae), Labcorp
Classification: Pathogenic for Ataxia-telangiectasia syndrome. Last evaluated: 2022-12-15. Review status: criteria provided, single submitter. Criteria: Invitae Variant Classification Sherloc (09022015). Collection method: clinical testing. Allele origin: germline.
Comment: ClinVar contains an entry for this variant (Variation ID: 453410). For these reasons, this variant has been classified as Pathogenic. Algorithms developed to predict the effect of sequence changes on RNA splicing suggest that this variant may disrupt the consensus splice site. This premature translational stop signal has been observed in individual(s) with chronic lymphocytic leukemia (PMID: 16014569, 17968022, 21933854). This variant is not present in population databases (gnomAD no frequency). This sequence change creates a premature translational stop signal (p.Glu770*) in the ATM gene. It is expected to result in an absent or disrupted protein product. Loss-of-function variants in ATM are known to be pathogenic (PMID: 23807571, 25614872).

Color Diagnostics, LLC DBA Color Health
Classification: Pathogenic for Hereditary cancer-predisposing syndrome. Last evaluated: 2020-05-19. Review status: criteria provided, single submitter. Criteria: ACMG Guidelines, 2015. Collection method: clinical testing. Allele origin: germline.
Comment: This variant changes 1 nucleotide in exon 15 of the ATM gene, creating a premature translation stop signal. This variant is expected to result in an absent or non-functional protein product. To our knowledge, this variant has not been reported in individuals affected with hereditary cancer in the literature. This variant has not been identified in the general population by the Genome Aggregation Database (gnomAD). Loss of ATM function is a known mechanism of disease. Based on the available evidence, this variant is classified as Pathogenic.

Literature cited by the submitters: PubMed 16014569 (cited by Labcorp Genetics (formerly Invitae), Labcorp); PubMed 17968022 (cited by Labcorp Genetics (formerly Invitae), Labcorp); PubMed 21933854 (cited by Labcorp Genetics (formerly Invitae), Labcorp); PubMed 23807571 (cited by Labcorp Genetics (formerly Invitae), Labcorp); PubMed 25614872 (cited by Labcorp Genetics (formerly Invitae), Labcorp).

NM_000051.4(ATM):c.2308G>T (p.Glu770Ter)

Gene: ATM (ATM serine/threonine kinase; plus strand). Cytogenetic location: 11q22.3.
Variant type: single nucleotide variant.
Coding change: c.2308G>T on transcript NM_000051.4 (MANE Select); coding-DNA position 2308, G replaced by T.
Protein change: p.Glu770Ter; replaces glutamic acid 770 with a stop codon.
Molecular consequence: nonsense.
Genome position (GRCh38, 1-based): chr11:108,257,538, G>T. VCF-style: chr11-108257538-G-T. GRCh37 (hg19) VCF-style: chr11-108128265-G-T.
Other names: c.2308G>T, p.Glu770Ter (NM_001351834.2); short protein forms E770*.
Identifiers: ClinVar variation 453410 (VCV000453410.13), dbSNP rs1555075721, ClinGen allele CA382539851.